The following is an entry in ClinVar:

ClinVar aggregate classification (germline): Likely benign. Review status: criteria provided, multiple submitters, no conflicts (2 of 4 stars). 3 submissions from 3 submitters: Likely benign (3). Last evaluated 2025-09-14.

Conditions:
Hereditary pheochromocytoma and paraganglioma. Also called: Hereditary pheochromocytoma-paraganglioma; Hereditary Paraganglioma-Pheochromocytoma Syndromes; Hereditary paragangliomas and pheochromocytomas. Identifiers: Orphanet 29072, MedGen C4274332, MONDO:0017366.
Pheochromocytoma/paraganglioma syndrome 4. Also called: CAROTID BODY TUMORS AND MULTIPLE EXTRAADRENAL PHEOCHROMOCYTOMAS; SDHB-Related Hereditary Paraganglioma-Pheochromocytoma Syndrome (Paragangliomas 4); SDHB-Related Hereditary Paraganglioma-Pheochromocytoma Syndrome; PARAGANGLIOMA, FAMILIAL MALIGNANT; PARAGANGLIOMAS, HEREDITARY EXTRAADRENAL; PHEOCHROMOCYTOMA, FAMILIAL EXTRAADRENAL. Identifiers: Orphanet 29072, MedGen C1861848, MONDO:0007273, OMIM 115310.
Pheochromocytoma. Also called: MAX-Related Hereditary Paraganglioma-Pheochromocytoma Syndrome. Identifiers: Orphanet 29072, MedGen C0031511, MONDO:0008233, OMIM 171300, HP:0002666.
Gastrointestinal stromal tumor. Also called: Gastrointestinal stroma tumor; Gastrointestinal stromal tumor, somatic. Identifiers: Orphanet 44890, MedGen C0238198, MeSH D046152, MONDO:0011719, OMIM 606764, HP:0100723.

Submissions (3):

Labcorp Genetics (formerly Invitae), Labcorp
Classification: Likely benign for Gastrointestinal stromal tumor; Pheochromocytoma/paraganglioma syndrome 4; Pheochromocytoma. Last evaluated: 2025-09-14. Review status: criteria provided, single submitter. Criteria: Invitae Variant Classification Sherloc (09022015). Collection method: clinical testing. Allele origin: germline.

Myriad Genetics, Inc.
Classification: Likely benign for Pheochromocytoma/paraganglioma syndrome 4. Last evaluated: 2025-03-13. Review status: criteria provided, single submitter. Criteria: Myriad Autosomal Dominant, Autosomal Recessive and X-Linked Classification Criteria (2023). Collection method: clinical testing. Allele origin: unknown.
Comment: This variant is considered likely benign. This variant is intronic and is not expected to impact mRNA splicing.

All of Us Research Program, National Institutes of Health
Classification: Likely benign for Hereditary pheochromocytoma and paraganglioma. Last evaluated: 2023-05-04. Review status: criteria provided, single submitter. Criteria: ACMG Guidelines, 2015. Collection method: clinical testing. Allele origin: germline. Inheritance: Autosomal dominant inheritance. Observed: 1 variant allele, 1 heterozygote.
Comment: This study involves interpretation of variants in research participants for the purpose of population health screening. Participant phenotype was not available at the time of variant classification. Additional details can be found in publication PMID: 35346344, PMCID: PMC8962531

NM_003000.3(SDHB):c.643-15T>C

Gene: SDHB (succinate dehydrogenase complex iron sulfur subunit B; minus strand). Cytogenetic location: 1p36.13.
Variant type: single nucleotide variant.
Coding change: c.643-15T>C on transcript NM_003000.3 (MANE Select); 15 bases into the intron before coding-DNA position 643, T replaced by C.
Molecular consequence: intron variant.
Genome position (GRCh38, 1-based): chr1:17,022,745, A>G on the plus strand (T>C on the coding strand, the complement: SDHB is on the minus strand). VCF-style: chr1-17022745-A-G. GRCh37 (hg19) VCF-style: chr1-17349240-A-G.
Identifiers: ClinVar variation 2154703 (VCV002154703.6), dbSNP rs2525004522, ClinGen allele CA2580060629.